The following is an entry in ClinVar:

ClinVar aggregate classification (germline): Benign. Review status: criteria provided, single submitter (1 of 4 stars). 2 submissions from 1 submitter: Benign (2). Last evaluated 2018-01-12.

Conditions:
SMARCB1-related schwannomatosis. Also called: Schwannomatosis 1; SWNTS1. Identifiers: Orphanet 93921, MedGen C4048809, MONDO:0024517, OMIM 162091. Disease mechanism: loss of function.
Rhabdoid tumor predisposition syndrome 1 (RTPS1). Also called: Familial Posterior Fossa Brain Tumor of Infancy. Identifiers: Orphanet 231108, Orphanet 69077, MedGen C1836327, MONDO:0012252, OMIM 609322.

Allele frequency attached by ClinVar (database versions not stated): gnomAD exomes 0.00026; ESP Exome Variant Server 0.00031; gnomAD 0.00033 and 0.00034; ExAC 0.00037; TOPMed 0.00039; 1000 Genomes Project 0.00060; 1000 Genomes Project 30x 0.00062.
gnomAD v4.1: 982 of 1,566,834 alleles (0.063%); highest among the groups gnomAD compares: Non-Finnish European, 0.08%; no homozygotes.

Submissions (2):

Illumina Laboratory Services, Illumina
Classification: Benign for Rhabdoid tumor predisposition syndrome 1. Last evaluated: 2018-01-12. Review status: criteria provided, single submitter. Criteria: ICSL Variant Classification Criteria 13 December 2019. Collection method: clinical testing. Allele origin: germline.
Comment: This variant was observed in the ICSL laboratory as part of a predisposition screen in an ostensibly healthy population. It had not been previously curated by ICSL or reported in the Human Gene Mutation Database (HGMD: prior to June 1st, 2018), and was therefore a candidate for classification through an automated scoring system. Utilizing variant allele frequency, disease prevalence and penetrance estimates, and inheritance mode, an automated score was calculated to assess if this variant is too frequent to cause the disease. Based on the score and internal cut-off values, a variant classified as benign is not then subjected to further curation. The score for this variant resulted in a classification of benign for this disease.

Illumina Laboratory Services, Illumina
Classification: Benign for SMARCB1-related schwannomatosis. Last evaluated: 2018-01-12. Review status: criteria provided, single submitter. Criteria: ICSL Variant Classification Criteria 13 December 2019. Collection method: clinical testing. Allele origin: germline.
Comment: the same text as in the submission from Illumina Laboratory Services, Illumina above.

NM_003073.5(SMARCB1):c.*33T>G

Gene: SMARCB1 (SWI/SNF related BAF chromatin remodeling complex subunit B1; plus strand). Cytogenetic location: 22q11.23.
Variant type: single nucleotide variant.
Coding change: c.*33T>G on transcript NM_003073.5 (MANE Select); 33 bases downstream of the stop codon, T replaced by G.
Molecular consequence: 3 prime UTR variant.
Genome position (GRCh38, 1-based): chr22:23,834,213, T>G. VCF-style: chr22-23834213-T-G. GRCh37 (hg19) VCF-style: chr22-24176400-T-G.
Other names: c.*33T>G (NM_001007468.3, NM_001317946.2, NM_001362877.2).
Identifiers: ClinVar variation 903096 (VCV000903096.4), dbSNP rs11541580, ClinGen allele CA10146139.